The following is an entry in ClinVar:

ClinVar aggregate classification (germline): Uncertain significance (1 of 4 stars; one submission).

Submission:

GeneDx
Classification: Uncertain significance. Last evaluated: 2021-03-29. Review status: criteria provided, single submitter. Criteria: GeneDx Variant Classification Process June 2021. Collection method: clinical testing. Allele origin: germline. Affected: yes.
Comment: Not observed in large population cohorts (Lek et al., 2016); In silico analysis supports that this missense variant does not alter protein structure/function; In-silico analysis, which includes splice predictors and evolutionary conservation, is inconclusive as to whether the variant alters gene splicing. In the absence of RNA/functional studies, the actual effect of this sequence change is unknown.; Has not been previously published as pathogenic or benign to our knowledge

NM_001353345.2(SETD1B):c.4957C>G (p.Leu1653Val)

Gene: SETD1B (SET domain containing 1B, histone lysine methyltransferase; plus strand). Cytogenetic location: 12q24.31.
Variant type: single nucleotide variant.
Coding change: c.4957C>G on transcript NM_001353345.2 (MANE Select); coding-DNA position 4957, C replaced by G.
Protein change: p.Leu1653Val; replaces leucine 1653 with valine.
Molecular consequence: missense variant.
Genome position (GRCh38, 1-based): chr12:121,823,536, C>G. VCF-style: chr12-121823536-C-G. GRCh37 (hg19) VCF-style: chr12-122261442-C-G.
Other names: short protein forms L1653V.
Identifiers: ClinVar variation 1317149 (VCV001317149.2), dbSNP rs2137580695, ClinGen allele CA387000275.
Genomic context (GRCh38, chr12:121,823,536, plus strand): 5'-ATGGAGTTGGCCAAGAGCCGGGGGCCGTGGCGCCGGCCACCTAAGAAGCGCCATGAGGAC[C>G]TGGTGCCACCTGCGGGCTCGCCCGAACTCTCGCCACCCCAGCCCCTCTTCCGGCCCCGCT-3'
Protein context (NP_001340274.1, residues 1643-1663): RRPPKKRHED[Leu1653Val]VPPAGSPELS